The following is an entry in ClinVar:

NM_001358530.2(MOCS1):c.882C>A (p.Ile294=)

Gene: MOCS1 (molybdenum cofactor synthesis 1; minus strand). Cytogenetic location: 6p21.2.
Variant type: single nucleotide variant.
Coding change: c.882C>A on transcript NM_001358530.2 (MANE Select); coding-DNA position 882, C replaced by A.
Protein change: p.Ile294=; no amino-acid change (isoleucine 294 retained).
Molecular consequence: synonymous variant. On other transcripts: non-coding transcript variant (1).
Genome position (GRCh38, 1-based): chr6:39,912,363, G>T on the plus strand (C>A on the coding strand, the complement: MOCS1 is on the minus strand). VCF-style: chr6-39912363-G-T. GRCh37 (hg19) VCF-style: chr6-39880107-G-T.
Other names: c.882C>A, p.Ile294= (NM_001075098.4, NM_001358529.2, NM_005943.6); c.621C>A, p.Ile207= (NM_001358531.2, NM_001358533.2, NM_001358534.2); c.882C>A (NM_005943.5).
Identifiers: ClinVar variation 1615479 (VCV001615479.22), dbSNP rs770541281, ClinGen allele CA3796115.

ClinVar aggregate classification (germline): Likely benign. Review status: criteria provided, multiple submitters, no conflicts (2 of 4 stars). 3 submissions from 3 submitters: Likely benign (3). Last evaluated 2025-10-03.

Conditions:
MOCS1-related disorder. Also called: MOCS1-related condition.
Sulfite oxidase deficiency due to molybdenum cofactor deficiency type A. Also called: Molybdenum cofactor deficiency, complementation group A; Molybdenum Cofactor Deficiency A. Identifiers: Orphanet 308386, Orphanet 833, MedGen C1854988, MONDO:0009643, OMIM 252150.

Allele frequency attached by ClinVar (database versions not stated): ExAC 0.00002; gnomAD 0.00002; gnomAD exomes 0.00002; TOPMed 0.00003.
gnomAD v4.1: 24 of 1,613,508 alleles (0.0015%); highest among the groups gnomAD compares: Admixed American, 0.0083%; no homozygotes.

Submissions (3):

PreventionGenetics, part of Exact Sciences
Classification: Likely benign for MOCS1-related condition. Last evaluated: 2025-10-03. Review status: criteria provided, single submitter. Criteria: ACMG Guidelines, 2015. Collection method: clinical testing. Allele origin: germline.
Comment: This variant is classified as likely benign based on ACMG/AMP sequence variant interpretation guidelines (Richards et al. 2015 PMID: 25741868, with internal and published modifications).

Labcorp Genetics (formerly Invitae), Labcorp
Classification: Likely benign for Sulfite oxidase deficiency due to molybdenum cofactor deficiency type A. Last evaluated: 2025-07-09. Review status: criteria provided, single submitter. Criteria: Invitae Variant Classification Sherloc (09022015). Collection method: clinical testing. Allele origin: germline.

CeGaT Center for Human Genetics Tuebingen
Classification: Likely benign. Last evaluated: 2025-01-01. Review status: criteria provided, single submitter. Criteria: CeGaT Center For Human Genetics Tuebingen Variant Classification Criteria Version 2. Collection method: clinical testing. Allele origin: germline. Affected: yes. Observed: 1 variant allele.
Comment: MOCS1: BP4, BP7